The following is an entry in ClinVar:

NM_005422.4(TECTA):c.5586+41G>A

Genes: TBCEL-TECTA (TBCEL-TECTA readthrough; plus strand), TECTA (tectorin alpha; plus strand). Cytogenetic location: 11q23.3.
Variant type: single nucleotide variant.
Coding change: c.5586+41G>A on transcript NM_005422.4 (MANE Select); 41 bases into the intron after coding-DNA position 5586, G replaced by A.
Molecular consequence: intron variant.
Genome position (GRCh38, 1-based): chr11:121,166,821, G>A. VCF-style: chr11-121166821-G-A. GRCh37 (hg19) VCF-style: chr11-121037530-G-A.
Other names: c.6528+41G>A (NM_001378761.1).
Identifiers: ClinVar variation 682582 (VCV000682582.2), dbSNP rs489985, ClinGen allele CA6327763.
Genomic context (GRCh38, chr11:121,166,821, plus strand): 5'-ATTGTGGAAACATTGTGCAGGTGAGAAAAGCAGCAGGAAAGAGCACCTGGCAGAGGCAGC[G>A]ACAGCTTCGAGTGTTTGCACATTTATTGTCCTGAAAACCAACTTCAGGGTGATCTGCTTA-3'

ClinVar aggregate classification (germline): Benign. Review status: criteria provided, multiple submitters, no conflicts (2 of 4 stars). 2 submissions from 2 submitters: Benign (2). Last evaluated 2018-06-16.

Allele frequency attached by ClinVar (database versions not stated): 1000 Genomes Project 30x 0.26249; TOPMed 0.29940; 1000 Genomes Project 0.24920; ESP Exome Variant Server 0.32098.
gnomAD v4.1: 347,956 of 1,606,648 alleles (22%); highest among the groups gnomAD compares: African/African-American, 55%; 44,156 homozygotes.

Submissions (2):

GeneDx
Classification: Benign. Last evaluated: 2018-06-16. Review status: criteria provided, single submitter. Criteria: GeneDx Variant Classification (06012015). Collection method: clinical testing. Allele origin: germline. Affected: yes.
Comment: This variant is considered likely benign or benign based on one or more of the following criteria: it is a conservative change, it occurs at a poorly conserved position in the protein, it is predicted to be benign by multiple in silico algorithms, and/or has population frequency not consistent with disease.

Breakthrough Genomics
Classification: Benign. Review status: criteria provided, single submitter. Criteria: ACMG Guidelines, 2015. Collection method: not provided. Allele origin: germline. Inheritance: Autosomal recessive inheritance. Affected: yes.